The following is an entry in ClinVar:

NM_000171.4(GLRA1):c.896G>C (p.Arg299Pro)

Gene: GLRA1 (glycine receptor alpha 1; minus strand). Cytogenetic location: 5q33.1.
Variant type: single nucleotide variant.
Coding change: c.896G>C on transcript NM_000171.4 (MANE Select); coding-DNA position 896, G replaced by C.
Protein change: p.Arg299Pro; replaces arginine 299 with proline.
Molecular consequence: missense variant.
Genome position (GRCh38, 1-based): chr5:151,851,406, C>G on the plus strand (G>C on the coding strand, the complement: GLRA1 is on the minus strand). VCF-style: chr5-151851406-C-G. GRCh37 (hg19) VCF-style: chr5-151230967-C-G.
Other names: c.896G>C, p.Arg299Pro (NM_001146040.2); c.647G>C, p.Arg216Pro (NM_001292000.2); short protein forms R216P, R299P.
Identifiers: ClinVar variation 4077172 (VCV004077172.1).

ClinVar aggregate classification (germline): Pathogenic (1 of 4 stars; one submission).

Submission:

GeneDx
Classification: Pathogenic. Last evaluated: 2025-02-28. Review status: criteria provided, single submitter. Criteria: GeneDx Variant Classification Process June 2021. Collection method: clinical testing. Allele origin: germline. Affected: yes.
Comment: Not observed at significant frequency in large population cohorts (gnomAD); In silico analysis supports that this missense variant has a deleterious effect on protein structure/function; Also known as c.1192G>C p.(Arg271Pro); This variant is associated with the following publications: (PMID: 28122427, 19073849)